The following is an entry in ClinVar:

ClinVar aggregate classification (germline): Uncertain significance (1 of 4 stars; one submission).

gnomAD v4.1: 1 of 1,613,920 alleles (0.000062%); highest among the groups gnomAD compares: Non-Finnish European, 0.000085%; no homozygotes.

Submission:

GeneDx
Classification: Uncertain significance. Last evaluated: 2022-07-21. Review status: criteria provided, single submitter. Criteria: GeneDx Variant Classification Process June 2021. Collection method: clinical testing. Allele origin: germline. Affected: yes.
Comment: Not observed at significant frequency in large population cohorts (gnomAD); In silico analysis supports that this missense variant has a deleterious effect on protein structure/function; Has not been previously published as pathogenic or benign to our knowledge

NM_006231.4(POLE):c.2491A>G (p.Met831Val)

Gene: POLE (DNA polymerase epsilon, catalytic subunit; minus strand). Cytogenetic location: 12q24.33.
Variant type: single nucleotide variant.
Coding change: c.2491A>G on transcript NM_006231.4 (MANE Select); coding-DNA position 2491, A replaced by G.
Protein change: p.Met831Val; replaces methionine 831 with valine.
Molecular consequence: missense variant.
Genome position (GRCh38, 1-based): chr12:132,664,440, T>C on the plus strand (A>G on the coding strand, the complement: POLE is on the minus strand). VCF-style: chr12-132664440-T-C. GRCh37 (hg19) VCF-style: chr12-133241026-T-C.
Other names: short protein forms M831V.
Identifiers: ClinVar variation 2136274 (VCV002136274.1), dbSNP rs769073696, ClinGen allele CA387396572.